The following is an entry in ClinVar:

NM_000136.3(FANCC):c.1647G>C (p.Glu549Asp)

Genes: AOPEP (aminopeptidase O (putative); plus strand), FANCC (FA complementation group C; minus strand). Cytogenetic location: 9q22.32.
Variant type: single nucleotide variant.
Coding change: c.1647G>C on transcript NM_000136.3 (MANE Select); coding-DNA position 1647, G replaced by C.
Protein change: p.Glu549Asp; replaces glutamic acid 549 with aspartic acid.
Molecular consequence: missense variant.
Genome position (GRCh38, 1-based): chr9:95,101,737, C>G on the plus strand (G>C on the coding strand, the complement: FANCC is on the minus strand). VCF-style: chr9-95101737-C-G. GRCh37 (hg19) VCF-style: chr9-97864019-C-G.
Other names: c.1647G>C, p.Glu549Asp (NM_001243743.2); short protein forms E549D.
Identifiers: ClinVar variation 4068034 (VCV004068034.2).
Genomic context (GRCh38, chr9:95,101,737, plus strand): 5'-CGCCGGGCACCCACACGGCCTGCGTGCCTTCTAGACTTGAGTTCGCAGCTCTTTAAGGAG[C>G]TCTCGGGCCAGTTTTTCTGATCTAGGGCTTTCAATGCCAAGACGATTCCATCTGTACAAG-3'
Protein context (NP_000127.2, residues 539-558): ESPRSEKLAR[Glu549Asp]LLKELRTQV

ClinVar aggregate classification (germline): Uncertain significance. Review status: criteria provided, single submitter (1 of 4 stars). 2 submissions from 2 submitters: Uncertain significance (1). 1 of the submissions does not count toward it. Last evaluated 2025-08-08.

Conditions:
Fanconi anemia (FA). Also called: Fanconi's anemia. Identifiers: Orphanet 84, MedGen C0015625, MeSH D005199, MONDO:0019391.
Hereditary cancer-predisposing syndrome. Also called: Neoplastic Syndromes, Hereditary; Tumor predisposition; Hereditary neoplastic syndrome; Hereditary Cancer Syndrome. Identifiers: Orphanet 140162, MedGen C0027672, MeSH D009386, MONDO:0015356.

gnomAD v4.1: 4 of 1,614,116 alleles (0.00025%); highest among the groups gnomAD compares: East Asian, 0.0089%; no homozygotes.

Submissions (2):

Ambry Genetics
Classification: Uncertain significance for Hereditary cancer-predisposing syndrome. Last evaluated: 2025-08-08. Review status: criteria provided, single submitter. Criteria: Ambry Variant Classification Scheme 2023. Collection method: clinical testing. Allele origin: germline.
Comment: The p.E549D variant (also known as c.1647G>C), located in coding exon 14 of the FANCC gene, results from a G to C substitution at nucleotide position 1647. The glutamic acid at codon 549 is replaced by aspartic acid, an amino acid with highly similar properties. This amino acid position is conserved. In addition, this alteration is predicted to be tolerated by in silico analysis. Based on the available evidence, the clinical significance of this variant remains unclear.

Natera, Inc.
Classification: Uncertain significance for Fanconi anemia. Last evaluated: 2025-02-24. Review status: no assertion criteria provided. Collection method: clinical testing. Allele origin: germline. Not counted in ClinVar's aggregate classification.